The following is an entry in ClinVar:

NM_021075.4(NDUFV3):c.648G>A (p.Val216=)

Gene: NDUFV3 (NADH:ubiquinone oxidoreductase subunit V3; plus strand). Cytogenetic location: 21q22.3.
Variant type: single nucleotide variant.
Coding change: c.648G>A on transcript NM_021075.4 (MANE Select); coding-DNA position 648, G replaced by A.
Protein change: p.Val216=; no amino-acid change (valine 216 retained).
Molecular consequence: synonymous variant. On other transcripts: intron variant (1).
Genome position (GRCh38, 1-based): chr21:42,903,660, G>A. VCF-style: chr21-42903660-G-A. GRCh37 (hg19) VCF-style: chr21-44323770-G-A.
Other names: c.170-5204G>A (NM_001001503.2).
Identifiers: ClinVar variation 3050966 (VCV003050966.2), dbSNP rs535786603, ClinGen allele CA10046541.
Genomic context (GRCh38, chr21:42,903,660, plus strand): 5'-CAGAGCCCCCCGAGTTACAGTATCAGCAAAAGAGAAAACCTTGCTGCAGAAGCCGCATGT[G>A]GACATTACTGATCCAGAGAAGCCCCACCAGCCAAAGAAGAAAGGGTCCCCTGCTAAGCCA-3'
Protein context (NP_066553.3, residues 206-226): KEKTLLQKPH[Val216=]DITDPEKPHQ

ClinVar aggregate classification (germline): Likely benign (0 of 4 stars; one submission).

Conditions:
NDUFV3-related disorder. Also called: NDUFV3-related condition.

Allele frequency attached by ClinVar (database versions not stated): TOPMed 0.00002; gnomAD exomes 0.00006; ExAC 0.00016.
gnomAD v4.1: 96 of 1,614,074 alleles (0.0059%); highest among the groups gnomAD compares: South Asian, 0.093%; 3 homozygotes.

Submission:

PreventionGenetics, part of Exact Sciences
Classification: Likely benign for NDUFV3-related condition. Last evaluated: 2020-01-28. Review status: no assertion criteria provided. Collection method: clinical testing. Allele origin: germline.
Comment: This variant is classified as likely benign based on ACMG/AMP sequence variant interpretation guidelines (Richards et al. 2015 PMID: 25741868, with internal and published modifications).